The following is an entry in ClinVar:

ClinVar aggregate classification (germline): Likely benign (0 of 4 stars; one submission).

Conditions:
TBX3-related disorder. Also called: TBX3-related condition.

Submission:

PreventionGenetics, part of Exact Sciences
Classification: Likely benign for TBX3-related condition. Last evaluated: 2023-11-29. Review status: no assertion criteria provided. Collection method: clinical testing. Allele origin: germline.
Comment: This variant is classified as likely benign based on ACMG/AMP sequence variant interpretation guidelines (Richards et al. 2015 PMID: 25741868, with internal and published modifications).

NC_000012.12:g.114684350G>T

Genes: TBX3 (T-box transcription factor 3; minus strand), TBX3-AS1 (TBX3 antisense RNA 1; plus strand), LOC109286556 (TBX3 promoter region; plus strand). Cytogenetic location: 12q24.21.
Variant type: single nucleotide variant.
Genome position: GRCh38 VCF-style: chr12-114684350-G-T. GRCh37 (hg19) VCF-style: chr12-115122155-G-T.
Identifiers: ClinVar variation 3348785 (VCV003348785.1).